The following is an entry in ClinVar:

ClinVar aggregate classification (germline): Uncertain significance (1 of 4 stars; one submission).

Conditions:
Cardiovascular phenotype. Identifiers: MedGen CN230736.

Submission:

Ambry Genetics
Classification: Uncertain significance for Cardiovascular phenotype. Last evaluated: 2021-10-22. Review status: criteria provided, single submitter. Criteria: Ambry Variant Classification Scheme 2023. Collection method: clinical testing. Allele origin: germline.
Comment: The c.31_55+2del27 variant results from a deletion of 27 nucleotides between positions c.31 and c.55+2 and involves the canonical splice donor site after coding exon 1 of the SCN3B gene. The canonical splice donor site is highly conserved in available vertebrate species. In silico splice site analysis predicts that this alteration will weaken the native splice donor site and will result in the creation or strengthening of a novel splice donor site; however, the exact impact of this deletion on SCN3B splicing and function is currently unknown. Alterations that disrupt the canonical splice site are expected to cause aberrant splicing, resulting in an abnormal protein or a transcript that is subject to nonsense-mediated mRNA decay. However, loss of function of SCN3B has not been clearly established as a mechanism of disease. Since supporting evidence is limited at this time, the clinical significance of this alteration remains unclear.

NM_001040151.2(SCN3B):c.31_55+2del

Gene: SCN3B (sodium voltage-gated channel beta subunit 3; minus strand). Cytogenetic location: 11q24.1.
Variant type: Deletion.
Coding change: c.31_55+2del on transcript NM_001040151.2 (MANE Select); coding-DNA position 31 through the canonical splice donor site of the intron after coding-DNA position 55, 27 bases deleted (GCTTCTCTCGTGCTTATCTACTGGGGT).
Molecular consequence: splice donor variant.
Genome position (GRCh38, 1-based): chr11:123,653,745-123,653,771, ACCCCAGTAGATAAGCACGAGAGAAGC deleted on the plus strand (GCTTCTCTCGTGCTTATCTACTGGGGT on the coding strand, the reverse complement: SCN3B is on the minus strand). VCF-style (leftmost placement, unchanged base first): chr11-123653744-TACCCCAGTAGATAAGCACGAGAGAAGC-T. GRCh37 (hg19) VCF-style: chr11-123524452-TACCCCAGTAGATAAGCACGAGAGAAGC-T.
Other names: c.31_55+2del (NM_018400.4).
Identifiers: ClinVar variation 1727635 (VCV001727635.2), dbSNP rs2497595647, ClinGen allele CA2580083778.